The following is an entry in ClinVar:

NM_000384.3(APOB):c.10556C>A (p.Thr3519Asn)

Gene: APOB (apolipoprotein B; minus strand). Cytogenetic location: 2p24.1.
Variant type: single nucleotide variant.
Coding change: c.10556C>A on transcript NM_000384.3 (MANE Select); coding-DNA position 10556, C replaced by A.
Protein change: p.Thr3519Asn; replaces threonine 3519 with asparagine.
Molecular consequence: missense variant.
Genome position (GRCh38, 1-based): chr2:21,006,312, G>T on the plus strand (C>A on the coding strand, the complement: APOB is on the minus strand). VCF-style: chr2-21006312-G-T. GRCh37 (hg19) VCF-style: chr2-21229184-G-T.
Other names: short protein forms T3519N.
Identifiers: ClinVar variation 3308080 (VCV003308080.1).
Genomic context (GRCh38, chr2:21,006,312, plus strand): 5'-TCAATTTTGGAAGTGCCCTGCAGCTTCACTGAAGACCGTGTGCTCTTGGAATTCAAGTAA[G>T]TGTTGGCCTCACTAGCAATAGTTCCTGAATATTCCCGAGAAAGAACCGAACCCTTGACAT-3'
Protein context (NP_000375.3, residues 3509-3529): YSGTIASEAN[Thr3519Asn]YLNSKSTRSS

ClinVar aggregate classification (germline): Uncertain significance (1 of 4 stars; one submission).

Conditions:
Cardiovascular phenotype. Identifiers: MedGen CN230736.

gnomAD v4.1: 2 of 1,614,056 alleles (0.00012%); highest among the groups gnomAD compares: East Asian, 0.0022%; no homozygotes.

Submission:

Ambry Genetics
Classification: Uncertain significance for Cardiovascular phenotype. Last evaluated: 2024-06-21. Review status: criteria provided, single submitter. Criteria: Ambry Variant Classification Scheme 2023. Collection method: clinical testing. Allele origin: germline.
Comment: The p.T3519N variant (also known as c.10556C>A), located in coding exon 26 of the APOB gene, results from a C to A substitution at nucleotide position 10556. The threonine at codon 3519 is replaced by asparagine, an amino acid with similar properties. This amino acid position is conserved. In addition, this alteration is predicted to be tolerated by in silico analysis. Based on the available evidence, the clinical significance of this variant remains unclear.